The following is an entry in ClinVar:

NM_020822.3(KCNT1):c.839G>A (p.Cys280Tyr)

Gene: KCNT1 (potassium sodium-activated channel subfamily T member 1; plus strand). Cytogenetic location: 9q34.3.
Variant type: single nucleotide variant.
Coding change: c.839G>A on transcript NM_020822.3 (MANE Select); coding-DNA position 839, G replaced by A.
Protein change: p.Cys280Tyr; replaces cysteine 280 with tyrosine.
Molecular consequence: missense variant.
Genome position (GRCh38, 1-based): chr9:135,758,493, G>A. VCF-style: chr9-135758493-G-A. GRCh37 (hg19) VCF-style: chr9-138650339-G-A.
Other names: c.695G>A, p.Cys232Tyr (NM_001272003.2); short protein forms C232Y, C280Y.
Identifiers: ClinVar variation 1464033 (VCV001464033.8), dbSNP rs1160972448, ClinGen allele CA375498287.

ClinVar aggregate classification (germline): Uncertain significance (1 of 4 stars; one submission).

Conditions:
Autosomal dominant nocturnal frontal lobe epilepsy 5. Also called: KCNT1-Related Epilepsy; Epilepsy, nocturnal frontal lobe, 5; CILIARY DYSKINESIA, PRIMARY, 28, WITHOUT SITUS INVERSUS; CILIARY DYSKINESIA, PRIMARY, 28, WITH SITUS INVERSUS. Identifiers: Orphanet 98784, MedGen C3554306, MONDO:0014002, OMIM 615005.
Developmental and epileptic encephalopathy, 14 (DEE14). Also called: Early infantile epileptic encephalopathy 14. Identifiers: Orphanet 293181, MedGen C3554195, MONDO:0013989, OMIM 614959.

gnomAD v4.1: 2 of 1,613,564 alleles (0.00012%); highest among the groups gnomAD compares: Non-Finnish European, 0.00017%; no homozygotes.

Submission:

Labcorp Genetics (formerly Invitae), Labcorp
Classification: Uncertain significance for Autosomal dominant nocturnal frontal lobe epilepsy 5; Developmental and epileptic encephalopathy, 14. Last evaluated: 2025-01-23. Review status: criteria provided, single submitter. Criteria: Invitae Variant Classification Sherloc (09022015). Collection method: clinical testing. Allele origin: germline.
Comment: This sequence change replaces cysteine, which is neutral and slightly polar, with tyrosine, which is neutral and polar, at codon 280 of the KCNT1 protein (p.Cys280Tyr). This variant is not present in population databases (gnomAD no frequency). This missense change has been observed in individual(s) with clinical features of KCNT1-related conditions (internal data). ClinVar contains an entry for this variant (Variation ID: 1464033). Invitae Evidence Modeling of protein sequence and biophysical properties (such as structural, functional, and spatial information, amino acid conservation, physicochemical variation, residue mobility, and thermodynamic stability) indicates that this missense variant is expected to disrupt KCNT1 protein function with a positive predictive value of 80%. In summary, the available evidence is currently insufficient to determine the role of this variant in disease. Therefore, it has been classified as a Variant of Uncertain Significance.